The following is an entry in ClinVar:

NM_138927.4(SON):c.3347_3366del (p.Ser1116fs)

Gene: SON (SON DNA and RNA binding protein; plus strand). Cytogenetic location: 21q22.11.
Variant type: Deletion.
Coding change: c.3347_3366del on transcript NM_138927.4 (MANE Select); coding-DNA positions 3347 to 3366, 20 bases deleted (CATCTTATACTGCTGATCGT).
Protein change: p.Ser1116fs; shifts the reading frame from serine 1116.
Molecular consequence: frameshift variant. On other transcripts: non-coding transcript variant (1), intron variant (1).
Genome position (GRCh38, 1-based): chr21:33,552,578-33,552,597, CATCTTATACTGCTGATCGT deleted; deleting any 20 consecutive bases within chr21:33,552,576-33,552,597 gives the same sequence; the c. name uses the placement nearest the transcript's 3' end. VCF-style (leftmost placement, unchanged base first): chr21-33552575-TGTCATCTTATACTGCTGATC-T. GRCh37 (hg19) VCF-style: chr21-34924881-TGTCATCTTATACTGCTGATC-T.
Other names: c.3347_3366del, p.Ser1116fs (NM_001291411.2, NM_032195.3); c.245-4578_245-4559del (NM_001291412.3); short protein forms S1116fs.
Identifiers: ClinVar variation 3765867 (VCV003765867.1).
Genomic context (GRCh38, chr21:33,552,575, plus strand): 5'-CATACTCTGCTGCTGACCGGTCTATGATGTCATCGTACTCTGCAGCTGACCGATCTATGA[TGTCATCTTATACTGCTGATC>T]GTTCAATGATGTCTATGGCTGCTGATTCTTACACCGATTCTTACACTGACACATATACAG-3'

ClinVar aggregate classification (germline): Pathogenic (1 of 4 stars; one submission).

Conditions:
ZTTK syndrome (ZTTKS). Also called: ZTTK MULTIPLE CONGENITAL ANOMALIES-MENTAL RETARDATION SYNDROME; Zhu-Tokita-Takenouchi-Kim Syndrome. Identifiers: Orphanet 500150, MedGen C4310696, MONDO:0014936, OMIM 617140.

Submission:

Greenwood Genetic Center Diagnostic Laboratories, Greenwood Genetic Center
Classification: Pathogenic for ZTTK syndrome. Last evaluated: 2024-07-25. Review status: criteria provided, single submitter. Criteria: ACMG Guidelines, 2015. Collection method: clinical testing. Allele origin: germline. Affected: yes.
Comment: PVS1, PM2, PM6